The following is an entry in ClinVar:

ClinVar aggregate classification (germline): Likely benign (0 of 4 stars; one submission).

Conditions:
PPP2R3A-related disorder. Also called: PPP2R3A-related condition.

Submission:

PreventionGenetics, part of Exact Sciences
Classification: Likely benign for PPP2R3A-related condition. Last evaluated: 2019-02-19. Review status: no assertion criteria provided. Collection method: clinical testing. Allele origin: germline.
Comment: This variant is classified as likely benign based on ACMG/AMP sequence variant interpretation guidelines (Richards et al. 2015 PMID: 25741868, with internal and published modifications).

NM_002718.5(PPP2R3A):c.3330-10_3330-8del

Gene: PPP2R3A (protein phosphatase 2 regulatory subunit B''alpha; plus strand). Cytogenetic location: 3q22.3.
Variant type: Deletion.
Coding change: c.3330-10_3330-8del on transcript NM_002718.5 (MANE Select); 10 bases into the intron before coding-DNA position 3330 through 8 bases into the intron before coding-DNA position 3330, 3 bases deleted (GTT; older notation c.3330-10_3330-8delGTT).
Molecular consequence: intron variant.
Genome position (GRCh38, 1-based): chr3:136,145,033-136,145,035, GTT deleted; deleting any 3 consecutive bases within chr3:136,145,031-136,145,035 gives the same sequence; the c. name uses the placement nearest the transcript's 3' end. VCF-style (leftmost placement, unchanged base first): chr3-136145030-TTTG-T. GRCh37 (hg19) VCF-style: chr3-135863872-TTTG-T.
Other names: c.1122-10_1122-8del (NM_001190447.2); c.1467-10_1467-8del (NM_181897.3).
Identifiers: ClinVar variation 3039094 (VCV003039094.2), dbSNP rs569766401, ClinGen allele CA2631170.